The following is an entry in ClinVar:

NM_025137.4(SPG11):c.7325C>T (p.Ala2442Val)

Gene: SPG11 (SPG11 vesicle trafficking associated, spatacsin; minus strand). Cytogenetic location: 15q21.1.
Variant type: single nucleotide variant.
Coding change: c.7325C>T on transcript NM_025137.4 (MANE Select); coding-DNA position 7325, C replaced by T.
Protein change: p.Ala2442Val; replaces alanine 2442 with valine.
Molecular consequence: missense variant.
Genome position (GRCh38, 1-based): chr15:44,563,128, G>A on the plus strand (C>T on the coding strand, the complement: SPG11 is on the minus strand). VCF-style: chr15-44563128-G-A. GRCh37 (hg19) VCF-style: chr15-44855326-G-A.
Other names: c.6986C>T, p.Ala2329Val (NM_001160227.2); short protein forms A2329V, A2442V.
Identifiers: ClinVar variation 1514539 (VCV001514539.3), dbSNP rs762374689, ClinGen allele CA7533820.

ClinVar aggregate classification (germline): Uncertain significance (1 of 4 stars; one submission).

Conditions:
Hereditary spastic paraplegia 11. Also called: Spastic paraplegia, mental retardation and thin corpus callosum; SPASTIC PARAPLEGIA, AUTOSOMAL RECESSIVE, COMPLICATED, WITH THIN CORPUS CALLOSUM; SPASTIC PARAPLEGIA, AUTOSOMAL RECESSIVE, WITH MENTAL IMPAIRMENT AND THIN CORPUS CALLOSUM; Spastic Paraplegia 11; Nakamura Osame syndrome; Autosomal recessive hereditary spastic paraplegia, mental impairment, and thin corpus callosum. Identifiers: Orphanet 2822, MedGen C1858479, MONDO:0011445, OMIM 604360.

Allele frequency attached by ClinVar (database versions not stated): ExAC 0.00001.
gnomAD v4.1: 12 of 1,613,936 alleles (0.00074%); highest among the groups gnomAD compares: Admixed American, 0.012%; no homozygotes.

Submission:

Labcorp Genetics (formerly Invitae), Labcorp
Classification: Uncertain significance for Hereditary spastic paraplegia 11. Last evaluated: 2021-11-24. Review status: criteria provided, single submitter. Criteria: Invitae Variant Classification Sherloc (09022015). Collection method: clinical testing. Allele origin: germline.
Comment: This sequence change replaces alanine, which is neutral and non-polar, with valine, which is neutral and non-polar, at codon 2442 of the SPG11 protein (p.Ala2442Val). This variant is present in population databases (rs762374689, gnomAD 0.01%). This variant has not been reported in the literature in individuals affected with SPG11-related conditions. Algorithms developed to predict the effect of missense changes on protein structure and function are either unavailable or do not agree on the potential impact of this missense change (SIFT: "Tolerated"; PolyPhen-2: "Possibly Damaging"; Align-GVGD: "Class C0"). Algorithms developed to predict the effect of sequence changes on RNA splicing suggest that this variant may create or strengthen a splice site. In summary, the available evidence is currently insufficient to determine the role of this variant in disease. Therefore, it has been classified as a Variant of Uncertain Significance.